The following is an entry in ClinVar:

NM_014363.6(SACS):c.5743_5744del (p.His1915fs)

Gene: SACS (sacsin molecular chaperone; minus strand). Cytogenetic location: 13q12.12.
Variant type: Deletion.
Coding change: c.5743_5744del on transcript NM_014363.6 (MANE Select); coding-DNA positions 5743 to 5744, 2 bases deleted (CA; older notation c.5743_5744delCA).
Protein change: p.His1915fs; shifts the reading frame from histidine 1915.
Molecular consequence: frameshift variant.
Genome position (GRCh38, 1-based): chr13:23,338,132-23,338,133, TG deleted on the plus strand (CA on the coding strand, the reverse complement: SACS is on the minus strand); deleting any 2 consecutive bases within chr13:23,338,132-23,338,134 gives the same sequence; the c. name uses the placement nearest the transcript's 3' end. VCF-style (leftmost placement, unchanged base first): chr13-23338131-ATG-A. GRCh37 (hg19) VCF-style: chr13-23912270-ATG-A.
Other names: c.5302_5303del, p.His1768fs (NM_001278055.2); short protein forms H1768fs, H1915fs.
Identifiers: ClinVar variation 1460037 (VCV001460037.8), dbSNP rs2137616213, ClinGen allele CA2573149147.

ClinVar aggregate classification (germline): Pathogenic (1 of 4 stars; one submission).

Conditions:
Spastic paraplegia. Identifiers: MedGen C0037772, HP:0001258.

Submission:

Labcorp Genetics (formerly Invitae), Labcorp
Classification: Pathogenic for Spastic paraplegia. Last evaluated: 2022-08-23. Review status: criteria provided, single submitter. Criteria: Invitae Variant Classification Sherloc (09022015). Collection method: clinical testing. Allele origin: germline.
Comment: This sequence change creates a premature translational stop signal (p.His1915Cysfs*19) in the SACS gene. While this is not anticipated to result in nonsense mediated decay, it is expected to disrupt the last 2665 amino acid(s) of the SACS protein. This variant is not present in population databases (gnomAD no frequency). This variant has not been reported in the literature in individuals affected with SACS-related conditions. ClinVar contains an entry for this variant (Variation ID: 1460037). This variant disrupts a region of the SACS protein in which other variant(s) (p.Tyr4538*) have been determined to be pathogenic (Invitae). This suggests that this is a clinically significant region of the protein, and that variants that disrupt it are likely to be disease-causing. For these reasons, this variant has been classified as Pathogenic.